The following is an entry in ClinVar:

NM_033409.4(SLC52A3):c.1336C>T (p.Leu446Phe)

Gene: SLC52A3 (solute carrier family 52 member 3; minus strand). Cytogenetic location: 20p13.
Variant type: single nucleotide variant.
Coding change: c.1336C>T on transcript NM_033409.4 (MANE Select); coding-DNA position 1336, C replaced by T.
Protein change: p.Leu446Phe; replaces leucine 446 with phenylalanine.
Molecular consequence: missense variant.
Genome position (GRCh38, 1-based): chr20:761,100, G>A on the plus strand (C>T on the coding strand, the complement: SLC52A3 is on the minus strand). VCF-style: chr20-761100-G-A. GRCh37 (hg19) VCF-style: chr20-741744-G-A.
Other names: c.1336C>T, p.Leu446Phe (NM_001370085.1, NM_001370086.1); c.1336C>T (NM_033409.3); short protein forms L446F.
Identifiers: ClinVar variation 1382838 (VCV001382838.6), dbSNP rs1986450964, ClinGen allele CA407961853.

ClinVar aggregate classification (germline): Uncertain significance. Review status: criteria provided, multiple submitters, no conflicts (2 of 4 stars). 2 submissions from 2 submitters: Uncertain significance (2). Last evaluated 2025-02-07.

Conditions:
Inborn genetic diseases. Identifiers: MedGen C0950123, MeSH D030342.
Brown-Vialetto-van Laere syndrome 1. Also called: BROWN-VIALETTO-VAN LAERE SYNDROME 1, MILD; BULBAR PALSY, PROGRESSIVE, WITH SENSORINEURAL DEAFNESS; PONTOBULBAR PALSY WITH DEAFNESS. Identifiers: Orphanet 572550, Orphanet 97229, MedGen C0796274, MONDO:0024537, OMIM 211530.

Allele frequency attached by ClinVar (database versions not stated): gnomAD exomes below 0.00001; TOPMed below 0.00001.
gnomAD v4.1: 2 of 1,607,472 alleles (0.00012%); highest among the groups gnomAD compares: Non-Finnish European, 0.00017%; no homozygotes.

Submissions (2):

Ambry Genetics
Classification: Uncertain significance for Inborn genetic diseases. Last evaluated: 2025-02-07. Review status: criteria provided, single submitter. Criteria: Ambry Variant Classification Scheme 2023. Collection method: clinical testing. Allele origin: germline.

Labcorp Genetics (formerly Invitae), Labcorp
Classification: Uncertain significance for Brown-Vialetto-van Laere syndrome 1. Last evaluated: 2021-09-01. Review status: criteria provided, single submitter. Criteria: Invitae Variant Classification Sherloc (09022015). Collection method: clinical testing. Allele origin: germline.
Comment: This sequence change replaces leucine with phenylalanine at codon 446 of the SLC52A3 protein (p.Leu446Phe). The leucine residue is moderately conserved and there is a small physicochemical difference between leucine and phenylalanine. This variant is not present in population databases (ExAC no frequency). This variant has not been reported in the literature in individuals affected with SLC52A3-related conditions. Algorithms developed to predict the effect of missense changes on protein structure and function are either unavailable or do not agree on the potential impact of this missense change (SIFT: "Deleterious"; PolyPhen-2: "Benign"; Align-GVGD: "Class C0"). In summary, the available evidence is currently insufficient to determine the role of this variant in disease. Therefore, it has been classified as a Variant of Uncertain Significance.